The following is an entry in ClinVar:

NM_001166108.2(PALLD):c.1965-12921G>A

Gene: PALLD (palladin, cytoskeletal associated protein; plus strand). Cytogenetic location: 4q32.3.
Variant type: single nucleotide variant.
Coding change: c.1965-12921G>A on transcript NM_001166108.2 (MANE Select); 12921 bases into the intron before coding-DNA position 1965, G replaced by A.
Molecular consequence: intron variant. On other transcripts: missense variant (1).
Genome position (GRCh38, 1-based): chr4:168,878,001, G>A. VCF-style: chr4-168878001-G-A. GRCh37 (hg19) VCF-style: chr4-169799152-G-A.
Other names: c.110G>A, p.Gly37Asp (NM_001166110.2); c.1965-12921G>A (NM_016081.4); c.819-12921G>A (NM_001166109.2); c.-157-12921G>A (NM_001367570.1, NM_001367568.1, NM_001367567.1 and 1 more transcripts); short protein forms G37D.
Identifiers: ClinVar variation 3927549 (VCV003927549.1).

ClinVar aggregate classification (germline): Uncertain significance (1 of 4 stars; one submission).

Submission:

Ambry Genetics
Classification: Uncertain significance. Last evaluated: 2025-05-10. Review status: criteria provided, single submitter. Criteria: Ambry Variant Classification Scheme 2023. Collection method: clinical testing. Allele origin: germline.
Comment: The p.G37D variant (also known as c.110G>A), located in coding exon 1 of the PALLD gene, results from a G to A substitution at nucleotide position 110. The glycine at codon 37 is replaced by aspartic acid, an amino acid with similar properties. This amino acid position is conserved. In addition, the in silico prediction for this alteration is inconclusive. Based on the available evidence, the clinical significance of this variant remains unclear.